The following is an entry in ClinVar:

ClinVar aggregate classification (germline): Uncertain significance. Review status: criteria provided, multiple submitters, no conflicts (2 of 4 stars). 5 submissions from 5 submitters: Uncertain significance (5). Last evaluated 2025-11-01.

Conditions:
NF1-related disorder. Also called: NF1-related condition. Identifiers: MedGen CN379171.
Neurofibromatosis, type 1 (NF1). Also called: Neurofibromatosis, type I; VON RECKLINGHAUSEN DISEASE; NEUROFIBROMATOSIS, TYPE I, SOMATIC; Peripheral type neurofibromatosis. Identifiers: Orphanet 636, MedGen C0027831, MONDO:0018975, OMIM 162200. Disease mechanism: loss of function.

Submissions (5):

CeGaT Center for Human Genetics Tuebingen
Classification: Uncertain significance. Last evaluated: 2025-11-01. Review status: criteria provided, single submitter. Criteria: CeGaT Center For Human Genetics Tuebingen Variant Classification Criteria Version 2. Collection method: clinical testing. Allele origin: germline. Affected: yes. Observed: 1 variant allele.
Comment: NF1: PM2, PP3

Labcorp Genetics (formerly Invitae), Labcorp
Classification: Uncertain significance for Neurofibromatosis, type 1. Last evaluated: 2025-08-26. Review status: criteria provided, single submitter. Criteria: Invitae Variant Classification Sherloc (09022015). Collection method: clinical testing. Allele origin: germline.
Comment: This sequence change replaces leucine, which is neutral and non-polar, with histidine, which is basic and polar, at codon 274 of the NF1 protein (p.Leu274His). This variant is not present in population databases (gnomAD no frequency). This variant has not been reported in the literature in individuals affected with NF1-related conditions. ClinVar contains an entry for this variant (Variation ID: 1320839). Invitae Evidence Modeling of protein sequence and biophysical properties (such as structural, functional, and spatial information, amino acid conservation, physicochemical variation, residue mobility, and thermodynamic stability) indicates that this missense variant is expected to disrupt NF1 protein function with a positive predictive value of 95%. This variant disrupts the p.Leu274 amino acid residue in NF1. Other variant(s) that disrupt this residue have been determined to be pathogenic (internal data). This suggests that this residue is clinically significant, and that variants that disrupt this residue are likely to be disease-causing. In summary, the available evidence is currently insufficient to determine the role of this variant in disease. Therefore, it has been classified as a Variant of Uncertain Significance.

PreventionGenetics, part of Exact Sciences
Classification: Uncertain significance for NF1-related condition. Last evaluated: 2025-05-07. Review status: criteria provided, single submitter. Criteria: ACMG Guidelines, 2015. Collection method: clinical testing. Allele origin: germline.
Comment: The NF1 c.821T>A variant is predicted to result in the amino acid substitution p.Leu274His. To our knowledge, this variant has not been reported in the literature or in a large population database, indicating this variant is rare. Of note, missense variants at an adjacent amino acid (p.Leu273Arg and p.Leu273Pro) have been reported in individuals with neurofibromatosis type 1; however, no evidence was provided to support their pathogenicity (Cassiman et al. 2017. PubMed ID: 27716896; Giugliano et al. 2019. PubMed ID: 31370276). At this time, the clinical significance of this variant is uncertain due to the absence of conclusive functional and genetic evidence.

Women's Health and Genetics/Laboratory Corporation of America, LabCorp
Classification: Uncertain significance. Last evaluated: 2024-03-14. Review status: criteria provided, single submitter. Criteria: LabCorp Variant Classification Summary - May 2015. Collection method: clinical testing. Allele origin: germline.
Comment: Variant summary: NF1 c.821T>A (p.Leu274His) results in a non-conservative amino acid change in the encoded protein sequence. Five of five in-silico tools predict a damaging effect of the variant on protein function. The variant was absent in 251186 control chromosomes. c.821T>A has been identified through internal testing in individuals with Neurofibromatosis Type1. However, additional data is needed to allow unequivocal conclusions about data significance. To our knowledge, no experimental evidence demonstrating an impact on protein function has been reported. ClinVar contains an entry for this variant (Variation ID: 1320839). Based on the evidence outlined above, the variant was classified as VUS-possibly pathogenic.

GeneDx
Classification: Uncertain significance. Last evaluated: 2019-09-06. Review status: criteria provided, single submitter. Criteria: GeneDx Variant Classification Process June 2021. Collection method: clinical testing. Allele origin: germline. Affected: yes.
Comment: Not observed in large population cohorts (Lek 2016); In silico analysis, which includes protein predictors and evolutionary conservation, supports a deleterious effect; Has not been previously published as pathogenic or benign to our knowledge

NM_001042492.3(NF1):c.821T>A (p.Leu274His)

Gene: NF1 (neurofibromin 1; plus strand). Cytogenetic location: 17q11.2.
Variant type: single nucleotide variant.
Coding change: c.821T>A on transcript NM_001042492.3 (MANE Select); coding-DNA position 821, T replaced by A.
Protein change: p.Leu274His; replaces leucine 274 with histidine.
Molecular consequence: missense variant.
Genome position (GRCh38, 1-based): chr17:31,182,598, T>A. VCF-style: chr17-31182598-T-A. GRCh37 (hg19) VCF-style: chr17-29509616-T-A.
Other names: c.821T>A, p.Leu274His (NM_000267.4, NM_001128147.3); short protein forms L274H.
Identifiers: ClinVar variation 1320839 (VCV001320839.12), dbSNP rs2066157974, ClinGen allele CA398990993.